The following is an entry in ClinVar:

ClinVar aggregate classification (germline): Uncertain significance (1 of 4 stars; one submission).

Submission:

GeneDx
Classification: Uncertain significance. Last evaluated: 2024-06-20. Review status: criteria provided, single submitter. Criteria: GeneDx Variant Classification Process June 2021. Collection method: clinical testing. Allele origin: germline. Affected: yes.
Comment: Not observed at significant frequency in large population cohorts (gnomAD); In silico analysis supports that this missense variant has a deleterious effect on protein structure/function; Has not been previously published as pathogenic or benign to our knowledge

NM_001375524.1(TRRAP):c.888G>T (p.Arg296Ser)

Gene: TRRAP (transformation/transcription domain associated protein; plus strand). Cytogenetic location: 7q22.1.
Variant type: single nucleotide variant.
Coding change: c.888G>T on transcript NM_001375524.1 (MANE Select); coding-DNA position 888, G replaced by T.
Protein change: p.Arg296Ser; replaces arginine 296 with serine.
Molecular consequence: missense variant.
Genome position (GRCh38, 1-based): chr7:98,900,711, G>T. VCF-style: chr7-98900711-G-T. GRCh37 (hg19) VCF-style: chr7-98498334-G-T.
Other names: c.888G>T, p.Arg296Ser (NM_001244580.2, NM_003496.4); short protein forms R296S.
Identifiers: ClinVar variation 3391503 (VCV003391503.1).
Genomic context (GRCh38, chr7:98,900,711, plus strand): 5'-GTATGCTGACTTCATTGCTGCTCAGATTAAAACATTGTCATTTTTAGCTTACATTATCAG[G>T]ATTTACCAGGTAAGGTCATTGACTTTTATGTCAGGTTTATTGAGATAGTTTACATACAAT-3'
Protein context (NP_001362453.1, residues 286-306): KTLSFLAYII[Arg296Ser]IYQELVTKYS